The following is an entry in ClinVar:

NM_001360.3(DHCR7):c.1039G>C (p.Gly347Arg)

Gene: DHCR7 (7-dehydrocholesterol reductase; minus strand). Cytogenetic location: 11q13.4.
Variant type: single nucleotide variant.
Coding change: c.1039G>C on transcript NM_001360.3 (MANE Select); coding-DNA position 1039, G replaced by C.
Protein change: p.Gly347Arg; replaces glycine 347 with arginine.
Molecular consequence: missense variant. On other transcripts: 3 prime UTR variant (1), intron variant (3).
Genome position (GRCh38, 1-based): chr11:71,435,764, C>G on the plus strand (G>C on the coding strand, the complement: DHCR7 is on the minus strand). VCF-style: chr11-71435764-C-G. GRCh37 (hg19) VCF-style: chr11-71146810-C-G.
Other names: c.1039G>C, p.Gly347Arg (NM_001425111.1, NM_001163817.2, NM_001425109.1 and 1 more transcripts); c.1173G>C, p.Trp391Cys (NM_001425112.1); c.979G>C, p.Gly327Arg (NM_001425113.1); c.943G>C, p.Gly315Arg (NM_001425114.1); c.1077G>C, p.Trp359Cys (NM_001425116.1); c.865G>C, p.Gly289Arg (NM_001425117.1); c.*161G>C (NM_001425119.1); c.963+2048G>C (NM_001425120.1); and 4 more; short protein forms G289R, G347R, W359C, W391C, G327R, G359R, G364R, G315R.
Identifiers: ClinVar variation 5004974 (VCV005004974.2).
Genomic context (GRCh38, chr11:71,435,764, plus strand): 5'-GCCCATCCGTGCGGCGGAACAGGTCCTTCTGGTGGTTGGCCACCCGGAAGATGTAGTAGC[C>G]CACCAGGCCCAGCAGCAGGACGCCCACGGCGTGCGGGGTGGACAGCTGCACGGGGTGGTA-3'
Protein context (NP_001351.2, residues 337-357): AVGVLLLGLV[Gly347Arg]YYIFRVANHQ

ClinVar aggregate classification (germline): Uncertain significance (1 of 4 stars; one submission).

Conditions:
Smith-Lemli-Opitz syndrome (SLOS). Also called: POLYDACTYLY, SEX REVERSAL, RENAL HYPOPLASIA, AND UNILOBAR LUNG; RSH SYNDROME; RUTLEDGE LETHAL MULTIPLE CONGENITAL ANOMALY SYNDROME; 7-Dehydrocholesterol reductase deficiency; LETHAL ACRODYSGENITAL SYNDROME. Identifiers: Orphanet 818, MedGen C0175694, MONDO:0010035, OMIM 270400.

Submission:

Juno Genomics, Hangzhou Juno Genomics, Inc
Classification: Uncertain significance for Smith-Lemli-Opitz syndrome. Review status: criteria provided, single submitter. Criteria: ACMG Guidelines, 2015. Collection method: clinical testing. Allele origin: germline.
Comment: Absent from controls (or at extremely low frequency if recessive) in Genome Aggregation Database.;Multiple lines of computational evidence support a deleterious effect on the gene or gene product.